The following is an entry in ClinVar:

NM_001283009.2(RTEL1):c.3212T>C (p.Leu1071Pro)

Genes: RTEL1 (regulator of telomere elongation helicase 1; plus strand), RTEL1-TNFRSF6B (RTEL1-TNFRSF6B readthrough (NMD candidate); plus strand). Cytogenetic location: 20q13.33.
Variant type: single nucleotide variant.
Coding change: c.3212T>C on transcript NM_001283009.2 (MANE Select); coding-DNA position 3212, T replaced by C.
Protein change: p.Leu1071Pro; replaces leucine 1071 with proline.
Molecular consequence: missense variant. On other transcripts: non-coding transcript variant (1).
Genome position (GRCh38, 1-based): chr20:63,694,843, T>C. VCF-style: chr20-63694843-T-C. GRCh37 (hg19) VCF-style: chr20-62326196-T-C.
Other names: c.2543T>C, p.Leu848Pro (NM_001283010.1); c.3212T>C, p.Leu1071Pro (NM_016434.4); c.3284T>C, p.Leu1095Pro (NM_032957.5); short protein forms L1071P, L1095P, L848P.
Identifiers: ClinVar variation 3748317 (VCV003748317.3).

ClinVar aggregate classification (germline): Uncertain significance. Review status: criteria provided, multiple submitters, no conflicts (2 of 4 stars). 2 submissions from 2 submitters: Uncertain significance (2). Last evaluated 2024-12-04.

Conditions:
Pulmonary fibrosis and/or bone marrow failure, Telomere-related, 3. Also called: PULMONARY FIBROSIS AND/OR BONE MARROW FAILURE SYNDROME, TELOMERE-RELATED, 3. Identifiers: Orphanet 2032, MedGen C4225346, MONDO:0014613, OMIM 616373.
Dyskeratosis congenita, autosomal recessive 5 (DKCB5). Identifiers: MedGen C3554656, MONDO:0014076, OMIM 615190.

Submissions (2):

Labcorp Genetics (formerly Invitae), Labcorp
Classification: Uncertain significance for Dyskeratosis congenita, autosomal recessive 5; Pulmonary fibrosis and/or bone marrow failure, Telomere-related, 3. Last evaluated: 2024-12-04. Review status: criteria provided, single submitter. Criteria: Invitae Variant Classification Sherloc (09022015). Collection method: clinical testing. Allele origin: germline.
Comment: This sequence change replaces leucine, which is neutral and non-polar, with proline, which is neutral and non-polar, at codon 1071 of the RTEL1 protein (p.Leu1071Pro). This variant is not present in population databases (gnomAD no frequency). This variant has not been reported in the literature in individuals affected with RTEL1-related conditions. An algorithm developed to predict the effect of missense changes on protein structure and function (PolyPhen-2) suggests that this variant is likely to be disruptive. In summary, the available evidence is currently insufficient to determine the role of this variant in disease. Therefore, it has been classified as a Variant of Uncertain Significance.

Blueprint Genetics
Classification: Uncertain significance. Last evaluated: 2024-08-26. Review status: criteria provided, single submitter. Criteria: ACMG Guidelines, 2015. Collection method: clinical testing. Allele origin: germline.